The following is an entry in ClinVar:

NM_173689.7(CRB2):c.2098C>T (p.Leu700=)

Gene: CRB2 (crumbs cell polarity complex component 2; plus strand). Cytogenetic location: 9q33.3.
Variant type: single nucleotide variant.
Coding change: c.2098C>T on transcript NM_173689.7 (MANE Select); coding-DNA position 2098, C replaced by T.
Protein change: p.Leu700=; no amino-acid change (leucine 700 retained).
Molecular consequence: synonymous variant. On other transcripts: non-coding transcript variant (1).
Genome position (GRCh38, 1-based): chr9:123,371,240, C>T. VCF-style: chr9-123371240-C-T. GRCh37 (hg19) VCF-style: chr9-126133519-C-T.
Identifiers: ClinVar variation 3051257 (VCV003051257.2), dbSNP rs1424227739, ClinGen allele CA467205788.

ClinVar aggregate classification (germline): Likely benign (0 of 4 stars; one submission).

Conditions:
CRB2-related disorder. Also called: CRB2-related disorders; CRB2-related condition.

Allele frequency attached by ClinVar (database versions not stated): TOPMed below 0.00001; gnomAD 0.00001.
gnomAD v4.1: 2 of 1,613,856 alleles (0.00012%); highest among the groups gnomAD compares: African/African-American, 0.0013%; no homozygotes.

Submission:

PreventionGenetics, part of Exact Sciences
Classification: Likely benign for CRB2-related condition. Last evaluated: 2021-10-04. Review status: no assertion criteria provided. Collection method: clinical testing. Allele origin: germline.
Comment: This variant is classified as likely benign based on ACMG/AMP sequence variant interpretation guidelines (Richards et al. 2015 PMID: 25741868, with internal and published modifications).